The following is an entry in ClinVar:

ClinVar aggregate classification (germline): Uncertain significance. Review status: criteria provided, multiple submitters, no conflicts (2 of 4 stars). 3 submissions from 3 submitters: Uncertain significance (3). Last evaluated 2024-10-17.

Conditions:
Bronchiectasis with or without elevated sweat chloride 2 (BESC2). Identifiers: Orphanet 60033, MedGen C2751666, MONDO:0013087, OMIM 613021.
Inborn genetic diseases. Identifiers: MedGen C0950123, MeSH D030342.

Allele frequency attached by ClinVar (database versions not stated): ExAC 0.00001; gnomAD exomes 0.00002; gnomAD 0.00005; TOPMed 0.00006.
gnomAD v4.1: 45 of 1,613,866 alleles (0.0028%); highest among the groups gnomAD compares: Admixed American, 0.048%; 1 homozygote.

Submissions (3):

Ambry Genetics
Classification: Uncertain significance for Inborn genetic diseases. Last evaluated: 2024-10-17. Review status: criteria provided, single submitter. Criteria: Ambry Variant Classification Scheme 2023. Collection method: clinical testing. Allele origin: germline.

Johns Hopkins Genomics, Johns Hopkins University
Classification: Uncertain significance for Bronchiectasis with or without elevated sweat chloride 2. Last evaluated: 2021-10-20. Review status: criteria provided, single submitter. Criteria: ACMG Guidelines, 2015. Collection method: clinical testing. Allele origin: germline.
Comment: SCNN1A c.1523G>A (rs763359949) is rare (<0.1%) in a large population dataset (gnomAD: 5/251414 total alleles; 0.002%; no homozygotes) and has not been reported in ClinVar nor the literature, to our knowledge. Three bioinformatic tools queried predict that this substitution would be tolerated and the argine residue at this position is evolutionarily conserved across a subset species assessed. We consider the clinical significance of SCNN1A c.1523G>A to be uncertain at this time.

Breakthrough Genomics
Classification: Uncertain significance. Review status: criteria provided, single submitter. Criteria: ACMG Guidelines, 2015. Collection method: not provided. Allele origin: germline. Inheritance: Autosomal recessive inheritance. Affected: yes.

NM_001038.6(SCNN1A):c.1523G>A (p.Arg508Gln)

Gene: SCNN1A (sodium channel epithelial 1 subunit alpha; minus strand). Cytogenetic location: 12p13.31.
Variant type: single nucleotide variant.
Coding change: c.1523G>A on transcript NM_001038.6 (MANE Select); coding-DNA position 1523, G replaced by A.
Protein change: p.Arg508Gln; replaces arginine 508 with glutamine.
Molecular consequence: missense variant.
Genome position (GRCh38, 1-based): chr12:6,348,980, C>T on the plus strand (G>A on the coding strand, the complement: SCNN1A is on the minus strand). VCF-style: chr12-6348980-C-T. GRCh37 (hg19) VCF-style: chr12-6458146-C-T.
Other names: c.1592G>A, p.Arg531Gln (NM_001159575.2); c.1700G>A, p.Arg567Gln (NM_001159576.2); c.1523G>A (NM_001038.5); short protein forms R508Q, R531Q, R567Q.
Identifiers: ClinVar variation 1331716 (VCV001331716.3), dbSNP rs763359949, ClinGen allele CA6405801.
Genomic context (GRCh38, chr12:6,348,980, plus strand): 5'-TCTTGTGGCTGGGACCAGGGCAGGACTGACCTCTTGTTGTTGACGGTGTAATTGTTCTGT[C>T]GCGATAGCATCTGGAAGACCCATTCCTAGGAAAGAATGGGGGTGTCATCAAGGTCACTCC-3'
Protein context (NP_001029.1, residues 498-518): SQEWVFQMLS[Arg508Gln]QNNYTVNNKR